The following is an entry in ClinVar:

ClinVar aggregate classification (germline): Pathogenic (1 of 4 stars; one submission).

Conditions:
Maple syrup urine disease type 1B (MSUD1B). Also called: MSUD type IB; MSUD type 3 (formerly); MSUD due to deficiency of e1-beta subunit of branched-chain alpha-keto acid dehydrogenase complex. Identifiers: MedGen C2930990, MONDO:0023692, OMIM 620698.

Submission:

Myriad Genetics, Inc.
Classification: Pathogenic for Maple syrup urine disease type 1B. Last evaluated: 2023-09-08. Review status: criteria provided, single submitter. Criteria: Myriad Autosomal Dominant, Autosomal Recessive and X-Linked Classification Criteria (2023). Collection method: clinical testing. Allele origin: unknown.
Comment: NM_183050.2(BCKDHB):c.723_724delAA(K241Nfs*30) is expected to be pathogenic in the context of maple syrup urine disease type Ib. This variant is predicted to lead to an abnormal or absent protein product due to the creation of a premature termination codon in BCKDHB, a gene where loss-of-function variants are known to be pathogenic. Please note: this variant was assessed in the context of healthy population screening.

NM_183050.4(BCKDHB):c.723_724del (p.Lys241fs)

Gene: BCKDHB (branched chain keto acid dehydrogenase E1 subunit beta; plus strand). Cytogenetic location: 6q14.1.
Variant type: Deletion.
Coding change: c.723_724del on transcript NM_183050.4 (MANE Select); coding-DNA positions 723 to 724, 2 bases deleted (AA; older notation c.723_724delAA).
Protein change: p.Lys241fs; shifts the reading frame from lysine 241.
Molecular consequence: frameshift variant. On other transcripts: non-coding transcript variant (4).
Genome position (GRCh38, 1-based): chr6:80,171,371-80,171,372, AA deleted; deleting any 2 consecutive bases within chr6:80,171,369-80,171,372 gives the same sequence; the c. name uses the placement nearest the transcript's 3' end. VCF-style (leftmost placement, unchanged base first): chr6-80171368-TAA-T. GRCh37 (hg19) VCF-style: chr6-80881085-TAA-T.
Other names: c.723_724del, p.Lys241fs (NM_000056.5, NM_001424035.1, NM_001424036.1 and 7 more transcripts); c.513_514del, p.Lys171fs (NM_001318975.1, NM_001424043.1); short protein forms K171fs, K241fs.
Identifiers: ClinVar variation 5011606 (VCV005011606.1).